The following is an entry in ClinVar:

NM_001355436.2(SPTB):c.5851_5852insC (p.Glu1951fs)

Gene: SPTB (spectrin beta, erythrocytic; minus strand). Cytogenetic location: 14q23.3.
Variant type: Insertion.
Coding change: c.5851_5852insC on transcript NM_001355436.2 (MANE Select); coding-DNA positions 5851 to 5852, C inserted.
Protein change: p.Glu1951fs; shifts the reading frame from glutamic acid 1951.
Molecular consequence: frameshift variant.
Genome position: GRCh38 VCF-style: chr14-64769675-T-TG. GRCh37 (hg19) VCF-style: chr14-65236393-T-TG.
Other names: c.5851_5852insC, p.Glu1951fs (NM_001024858.4, NM_001355437.2); short protein forms E1951fs.
Identifiers: ClinVar variation 3650779 (VCV003650779.2).

ClinVar aggregate classification (germline): Pathogenic (1 of 4 stars; one submission).

Submission:

Labcorp Genetics (formerly Invitae), Labcorp
Classification: Pathogenic. Last evaluated: 2024-04-25. Review status: criteria provided, single submitter. Criteria: Invitae Variant Classification Sherloc (09022015). Collection method: clinical testing. Allele origin: germline.
Comment: This sequence change creates a premature translational stop signal (p.Glu1951Alafs*3) in the SPTB gene. It is expected to result in an absent or disrupted protein product. Loss-of-function variants in SPTB are known to be pathogenic (PMID: 1391962, 1498324, 8844207, 26830532, 27292444). This variant is not present in population databases (gnomAD no frequency). This variant has not been reported in the literature in individuals affected with SPTB-related conditions. For these reasons, this variant has been classified as Pathogenic.

Literature cited by the submitters: PubMed 1391962; PubMed 1498324; PubMed 8844207; PubMed 26830532; PubMed 27292444.